The following is an entry in ClinVar:

ClinVar aggregate classification (germline): Uncertain significance (1 of 4 stars; one submission).

Allele frequency attached by ClinVar (database versions not stated): gnomAD exomes below 0.00001.
gnomAD v4.1: 1 of 1,606,244 alleles (0.000062%); highest among the groups gnomAD compares: Non-Finnish European, 0.000085%; no homozygotes.

Submission:

Labcorp Genetics (formerly Invitae), Labcorp
Classification: Uncertain significance. Last evaluated: 2022-10-20. Review status: criteria provided, single submitter. Criteria: Invitae Variant Classification Sherloc (09022015). Collection method: clinical testing. Allele origin: germline.
Comment: This variant has not been reported in the literature in individuals affected with ERBB2-related conditions. In summary, the available evidence is currently insufficient to determine the role of this variant in disease. Therefore, it has been classified as a Variant of Uncertain Significance. Advanced modeling of protein sequence and biophysical properties (such as structural, functional, and spatial information, amino acid conservation, physicochemical variation, residue mobility, and thermodynamic stability) performed at Invitae indicates that this missense variant is not expected to disrupt ERBB2 protein function. This variant is not present in population databases (gnomAD no frequency). This sequence change replaces alanine, which is neutral and non-polar, with valine, which is neutral and non-polar, at codon 440 of the ERBB2 protein (p.Ala440Val).

NM_004448.4(ERBB2):c.1319C>T (p.Ala440Val)

Gene: ERBB2 (erb-b2 receptor tyrosine kinase 2; plus strand). Cytogenetic location: 17q12.
Variant type: single nucleotide variant.
Coding change: c.1319C>T on transcript NM_004448.4 (MANE Select); coding-DNA position 1319, C replaced by T.
Protein change: p.Ala440Val; replaces alanine 440 with valine.
Molecular consequence: missense variant. On other transcripts: non-coding transcript variant (1), intron variant (1).
Genome position (GRCh38, 1-based): chr17:39,715,745, C>T. VCF-style: chr17-39715745-C-T. GRCh37 (hg19) VCF-style: chr17-37871998-C-T.
Other names: c.1229C>T, p.Ala410Val (NM_001005862.3, NM_001289938.2, NM_001382782.1 and 1 more transcripts); c.1274C>T, p.Ala425Val (NM_001289936.2); c.1319C>T, p.Ala440Val (NM_001289937.2, NM_001382785.1, NM_001382788.1 and 12 more transcripts); c.1436C>T, p.Ala479Val (NM_001382784.1, NM_001382786.1); c.1394C>T, p.Ala465Val (NM_001382787.1); c.1340C>T, p.Ala447Val (NM_001382789.1); c.1310C>T, p.Ala437Val (NM_001382791.1); c.1139C>T, p.Ala380Val (NM_001382799.1); and 3 more; short protein forms A164V, A380V, A354V, A410V, A425V, A437V, A447V, A479V.
Identifiers: ClinVar variation 2016390 (VCV002016390.4), dbSNP rs2145650942, ClinGen allele CA399290356.
Genomic context (GRCh38, chr17:39,715,745, plus strand): 5'-AGCCTTTGCTGACCGGGAAGGGGTCCGTGGTAAGGTGCCCACCTTTCTCCCATAGTGGCG[C>T]CTACTCGCTGACCCTGCAAGGGCTGGGCATCAGCTGGCTGGGGCTGCGCTCACTGAGGGA-3'
Protein context (NP_004439.2, residues 430-450): VIRGRILHNG[Ala440Val]YSLTLQGLGI